The following is an entry in ClinVar:

NM_022458.4(LMBR1):c.26C>T (p.Ala9Val)

Genes: LMBR1 (limb development membrane protein 1; minus strand), LOC129999727 (ATAC-STARR-seq lymphoblastoid silent region 18853; plus strand). Cytogenetic location: 7q36.3.
Variant type: single nucleotide variant.
Coding change: c.26C>T on transcript NM_022458.4 (MANE Select); coding-DNA position 26, C replaced by T.
Protein change: p.Ala9Val; replaces alanine 9 with valine.
Molecular consequence: missense variant. On other transcripts: 5 prime UTR variant (7), synonymous variant (1), non-coding transcript variant (2).
Genome position (GRCh38, 1-based): chr7:156,892,968, G>A on the plus strand (C>T on the coding strand, the complement: LMBR1 is on the minus strand). VCF-style: chr7-156892968-G-A. GRCh37 (hg19) VCF-style: chr7-156685662-G-A.
Other names: c.26C>T, p.Ala9Val (NM_001350953.2, NM_001363409.2, NM_001363410.2); c.-114C>T (NM_001350954.2); c.-607C>T (NM_001350955.2); c.-509C>T (NM_001350956.2, NM_001350958.2); c.-442C>T (NM_001350957.2, NM_001363411.2); c.36C>T, p.Gly12= (NM_001363412.2); c.-627C>T (NM_001363413.2); short protein forms A9V.
Identifiers: ClinVar variation 4098470 (VCV004098470.2).

ClinVar aggregate classification (germline): Uncertain significance. Review status: criteria provided, multiple submitters, no conflicts (2 of 4 stars). 2 submissions from 2 submitters: Uncertain significance (2). Last evaluated 2026-01-07.

Conditions:
Inborn genetic diseases. Identifiers: MedGen C0950123, MeSH D030342.

gnomAD v4.1: 23 of 1,542,620 alleles (0.0015%); highest among the groups gnomAD compares: Admixed American, 0.044%; no homozygotes.

Submissions (2):

Labcorp Genetics (formerly Invitae), Labcorp
Classification: Uncertain significance. Last evaluated: 2026-01-07. Review status: criteria provided, single submitter. Criteria: Invitae Variant Classification Sherloc (09022015). Collection method: clinical testing. Allele origin: germline.
Comment: This sequence change replaces alanine, which is neutral and non-polar, with valine, which is neutral and non-polar, at codon 9 of the LMBR1 protein (p.Ala9Val). The frequency data for this variant in the population databases is considered unreliable, as metrics indicate poor data quality at this position in the gnomAD database. This variant has not been reported in the literature in individuals affected with LMBR1-related conditions. ClinVar contains an entry for this variant (Variation ID: 4098470). An algorithm developed to predict the effect of missense changes on protein structure and function (PolyPhen-2) suggests that this variant is likely to be tolerated. In summary, the available evidence is currently insufficient to determine the role of this variant in disease. Therefore, it has been classified as a Variant of Uncertain Significance.

Ambry Genetics
Classification: Uncertain significance for Inborn genetic diseases. Last evaluated: 2025-08-09. Review status: criteria provided, single submitter. Criteria: Ambry Variant Classification Scheme 2023. Collection method: clinical testing. Allele origin: germline.